The following is an entry in ClinVar:

NM_133259.4(LRPPRC):c.3147dup (p.Gly1050fs)

Gene: LRPPRC (leucine rich pentatricopeptide repeat containing; minus strand). Cytogenetic location: 2p21.
Variant type: Duplication.
Coding change: c.3147dup on transcript NM_133259.4 (MANE Select); coding-DNA position 3147, one base duplicated (A; older notation c.3147dupA).
Protein change: p.Gly1050fs; shifts the reading frame from glycine 1050.
Molecular consequence: frameshift variant.
Genome position (GRCh38, 1-based): chr2:43,918,026, T duplicated on the plus strand (A on the coding strand, the reverse complement: LRPPRC is on the minus strand); the first of 8 consecutive T bases (chr2:43,918,026-43,918,033); duplicating any one gives the same sequence. VCF-style (leftmost placement, unchanged base first): chr2-43918025-C-CT. GRCh37 (hg19) VCF-style: chr2-44145164-C-CT.
Other names: c.3147dupA (NM_133259.3); short protein forms G1050fs.
Identifiers: ClinVar variation 218169 (VCV000218169.13), dbSNP rs769022521, ClinGen allele CA211163.
Genomic context (GRCh38, chr2:43,918,025, plus strand): 5'-CACTGCTATTAGAAAGAAGACCACCCCCCCACACACACCCCCATCCCCGTATGTGCTTGC[C>CT]TTTTTTTTGGTTCAATCGGCAGGCAATCAATATATCTTTCTGGAAATCAGGTTCTGTGGT-3'

ClinVar aggregate classification (germline): Pathogenic. Review status: criteria provided, multiple submitters, no conflicts (2 of 4 stars). 4 submissions from 4 submitters: Pathogenic (3). 1 of the submissions does not count toward it. Last evaluated 2025-09-11.

Conditions:
Congenital lactic acidosis, Saguenay-Lac-Saint-Jean type (MC4DN5). Also called: CYTOCHROME c OXIDASE DEFICIENCY, FRENCH CANADIAN TYPE; COX DEFICIENCY, FRENCH CANADIAN TYPE; MITOCHONDRIAL COMPLEX IV DEFICIENCY, NUCLEAR TYPE 5. Identifiers: Orphanet 70472, MedGen C1857355, MONDO:0009069, OMIM 220111.

Submissions (4):

Natera, Inc.
Classification: Pathogenic for French-Canadian type Leigh syndrome. Last evaluated: 2025-09-11. Review status: criteria provided, single submitter. Criteria: Natera Variant Classification Schema (03/2026). Collection method: clinical testing. Allele origin: germline.
Comment: The c.3147dupA variant in LRPPRC is a frameshift variant predicted to shift the reading frame beginning at codon 1050 and leads to a stop codon 4 codons downstream. This variant is expected to result in nonsense mediated decay, truncation, or a dysfunctional protein product. This variant is rare in the general population with a frequency below the threshold expected for the associated phenotype(s). This variant has been observed in one or more individuals affected with the associated recessive disease, as either homozygous or compound heterozygous with a second variant (PMID: 26510951). Given the available evidence, this variant is classified as Pathogenic.

Labcorp Genetics (formerly Invitae), Labcorp
Classification: Pathogenic. Last evaluated: 2024-11-04. Review status: criteria provided, single submitter. Criteria: Invitae Variant Classification Sherloc (09022015). Collection method: clinical testing. Allele origin: germline.
Comment: This sequence change creates a premature translational stop signal (p.Gly1050Argfs*4) in the LRPPRC gene. It is expected to result in an absent or disrupted protein product. Loss-of-function variants in LRPPRC are known to be pathogenic (PMID: 26510951). The frequency data for this variant in the population databases is considered unreliable, as metrics indicate poor data quality at this position in the gnomAD database. This premature translational stop signal has been observed in individual(s) with clinical features of French Canadian type Leigh syndrome (PMID: 26510951). ClinVar contains an entry for this variant (Variation ID: 218169). For these reasons, this variant has been classified as Pathogenic.

Fulgent Genetics
Classification: Pathogenic for Congenital lactic acidosis, Saguenay-Lac-Saint-Jean type. Last evaluated: 2024-02-12. Review status: criteria provided, single submitter. Criteria: ACMG Guidelines, 2015. Collection method: clinical testing. Allele origin: germline.

OMIM
Classification: Pathogenic for MITOCHONDRIAL COMPLEX IV DEFICIENCY, NUCLEAR TYPE 5. Last evaluated: 2015-12-01. Review status: no assertion criteria provided. Collection method: literature only. Allele origin: germline. Not counted in ClinVar's aggregate classification.

Literature cited by the submitters: PubMed 26510951 (cited by 3 submitters).